The following is an entry in ClinVar:

ClinVar aggregate classification (germline): Likely benign. Review status: criteria provided, multiple submitters, no conflicts (2 of 4 stars). 3 submissions from 3 submitters: Likely benign (3). Last evaluated 2026-02-26.

Conditions:
PLEC-related disorder. Also called: PLEC-related disorders; PLEC-related condition.
Epidermolysis bullosa simplex with nail dystrophy (EBS5D). Identifiers: MedGen C4225309, MONDO:0014661, OMIM 616487.
Autosomal recessive limb-girdle muscular dystrophy type 2Q (LGMDR17). Also called: MUSCULAR DYSTROPHY, LIMB-GIRDLE, AUTOSOMAL RECESSIVE 17. Identifiers: Orphanet 254361, MedGen C3150989, MONDO:0013390, OMIM 613723.
Epidermolysis bullosa simplex, Ogna type (EBS5A). Also called: Pidermolysis bullosa simplex 5A, Ogna type; EPIDERMOLYSIS BULLOSA SIMPLEX 5A, OGNA TYPE. Identifiers: Orphanet 79401, MedGen C0432317, MONDO:0007555, OMIM 131950.
Epidermolysis bullosa simplex 5C, with pyloric atresia (EBS5C). Also called: PLEC-Related Epidermolysis Bullosa with Pyloric Atresia; Epidermolysis bullosa simplex with pyloric atresia; PLEC1-Related Epidermolysis Bullosa with Pyloric Atresia. Identifiers: Orphanet 158684, MedGen C2677349, MONDO:0012807, OMIM 612138.
Epidermolysis bullosa simplex 5B, with muscular dystrophy (EBS5B). Also called: EPIDERMOLYSIS BULLOSA SIMPLEX AND LIMB-GIRDLE MUSCULAR DYSTROPHY; Epidermolysis bullosa simplex with muscular dystrophy. Identifiers: Orphanet 257, MedGen C2931072, MONDO:0009181, OMIM 226670.

Allele frequency attached by ClinVar (database versions not stated): gnomAD 0.00001 and 0.00002; ExAC 0.00002; TOPMed 0.00002; gnomAD exomes 0.00004.
gnomAD v4.1: 61 of 1,612,772 alleles (0.0038%); highest among the groups gnomAD compares: South Asian, 0.0055%; no homozygotes.

Submissions (3):

PreventionGenetics, part of Exact Sciences
Classification: Likely benign for PLEC-related condition. Last evaluated: 2026-02-26. Review status: criteria provided, single submitter. Criteria: ACMG Guidelines, 2015. Collection method: clinical testing. Allele origin: germline.
Comment: This variant is classified as likely benign based on ACMG/AMP sequence variant interpretation guidelines (Richards et al. 2015 PMID: 25741868, with internal and published modifications).

Labcorp Genetics (formerly Invitae), Labcorp
Classification: Likely benign for Autosomal recessive limb-girdle muscular dystrophy type 2Q; Epidermolysis bullosa simplex, Ogna type; Epidermolysis bullosa simplex with nail dystrophy; Epidermolysis bullosa simplex 5C, with pyloric atresia; Epidermolysis bullosa simplex 5B, with muscular dystrophy. Last evaluated: 2026-01-12. Review status: criteria provided, single submitter. Criteria: Invitae Variant Classification Sherloc (09022015). Collection method: clinical testing. Allele origin: germline.

Blueprint Genetics
Classification: Likely benign. Last evaluated: 2023-12-22. Review status: criteria provided, single submitter. Criteria: ACMG Guidelines, 2015. Collection method: clinical testing. Allele origin: germline.

NM_201384.3(PLEC):c.13107G>A (p.Ser4369=)

Gene: PLEC (plectin; minus strand). Cytogenetic location: 8q24.3.
Variant type: single nucleotide variant.
Coding change: c.13107G>A on transcript NM_201384.3 (MANE Select); coding-DNA position 13107, G replaced by A.
Protein change: p.Ser4369=; no amino-acid change (serine 4369 retained).
Molecular consequence: synonymous variant.
Genome position (GRCh38, 1-based): chr8:143,916,714, C>T on the plus strand (G>A on the coding strand, the complement: PLEC is on the minus strand). VCF-style: chr8-143916714-C-T. GRCh37 (hg19) VCF-style: chr8-144990882-C-T.
Other names: c.13188G>A (NM_000445.4); c.13188G>A, p.Ser4396= (NM_000445.5); c.13065G>A, p.Ser4355= (NM_201378.4); c.13041G>A, p.Ser4347= (NM_201379.3); c.13518G>A, p.Ser4506= (NM_201380.4); c.13011G>A, p.Ser4337= (NM_201381.3); c.13107G>A, p.Ser4369= (NM_201382.4); c.13119G>A, p.Ser4373= (NM_201383.3).
Identifiers: ClinVar variation 1140896 (VCV001140896.11), dbSNP rs782475793, ClinGen allele CA4923902.